The following is an entry in ClinVar:

NM_201384.3(PLEC):c.11638G>A (p.Ala3880Thr)

Gene: PLEC (plectin; minus strand). Cytogenetic location: 8q24.3.
Variant type: single nucleotide variant.
Coding change: c.11638G>A on transcript NM_201384.3 (MANE Select); coding-DNA position 11638, G replaced by A.
Protein change: p.Ala3880Thr; replaces alanine 3880 with threonine.
Molecular consequence: missense variant.
Genome position (GRCh38, 1-based): chr8:143,918,183, C>T on the plus strand (G>A on the coding strand, the complement: PLEC is on the minus strand). VCF-style: chr8-143918183-C-T. GRCh37 (hg19) VCF-style: chr8-144992351-C-T.
Other names: c.11719G>A, p.Ala3907Thr (NM_000445.5); c.11596G>A, p.Ala3866Thr (NM_201378.4); c.11572G>A, p.Ala3858Thr (NM_201379.3); c.12049G>A, p.Ala4017Thr (NM_201380.4); c.11542G>A, p.Ala3848Thr (NM_201381.3); c.11638G>A, p.Ala3880Thr (NM_201382.4); c.11650G>A, p.Ala3884Thr (NM_201383.3); short protein forms A3848T, A3858T, A3866T, A3880T, A3884T, A3907T, A4017T.
Identifiers: ClinVar variation 383010 (VCV000383010.16), dbSNP rs541209817, ClinGen allele CA4924281.
Genomic context (GRCh38, chr8:143,918,183, plus strand): 5'-AGCGCACCAGCTCCTCCATGGTGATCTGCTTCCGCAGGCCACGGAAGGTCAGCTTGCGGG[C>T]GTCCGACAGTGGCAGGAGCAGCTGGCCGGTGCCGTCGTCACGACGGCACCGCCTGAGCAG-3'
Protein context (NP_958786.1, residues 3870-3890): TGQLLLPLSD[Ala3880Thr]RKLTFRGLRK

ClinVar aggregate classification (germline): Conflicting classifications of pathogenicity. Review status: criteria provided, conflicting classifications (1 of 4 stars). 4 submissions from 4 submitters: Uncertain significance (3); Likely benign (1). Last evaluated 2025-12-13.

Conditions:
Epidermolysis bullosa simplex 5B, with muscular dystrophy (EBS5B). Also called: Epidermolysis bullosa simplex with muscular dystrophy; EPIDERMOLYSIS BULLOSA SIMPLEX AND LIMB-GIRDLE MUSCULAR DYSTROPHY. Identifiers: Orphanet 257, MedGen C2931072, MONDO:0009181, OMIM 226670.
Epidermolysis bullosa simplex, Ogna type (EBS5A). Also called: Pidermolysis bullosa simplex 5A, Ogna type; EPIDERMOLYSIS BULLOSA SIMPLEX 5A, OGNA TYPE. Identifiers: Orphanet 79401, MedGen C0432317, MONDO:0007555, OMIM 131950.
Autosomal recessive limb-girdle muscular dystrophy type 2Q (LGMDR17). Also called: MUSCULAR DYSTROPHY, LIMB-GIRDLE, AUTOSOMAL RECESSIVE 17. Identifiers: Orphanet 254361, MedGen C3150989, MONDO:0013390, OMIM 613723.
Epidermolysis bullosa simplex 5C, with pyloric atresia (EBS5C). Also called: PLEC-Related Epidermolysis Bullosa with Pyloric Atresia; Epidermolysis bullosa simplex with pyloric atresia; PLEC1-Related Epidermolysis Bullosa with Pyloric Atresia. Identifiers: Orphanet 158684, MedGen C2677349, MONDO:0012807, OMIM 612138.
Epidermolysis bullosa simplex with nail dystrophy (EBS5D). Identifiers: MedGen C4225309, MONDO:0014661, OMIM 616487.

Allele frequency attached by ClinVar (database versions not stated): gnomAD 0.00004 and 0.00005; gnomAD exomes 0.00005 and 0.00007; ExAC 0.00006; TOPMed 0.00007; 1000 Genomes Project 30x 0.00031; 1000 Genomes Project 0.00040.
gnomAD v4.1: 83 of 1,592,752 alleles (0.0052%); highest among the groups gnomAD compares: East Asian, 0.12%; no homozygotes.

Submissions (4):

Labcorp Genetics (formerly Invitae), Labcorp
Classification: Uncertain significance for Autosomal recessive limb-girdle muscular dystrophy type 2Q; Epidermolysis bullosa simplex, Ogna type; Epidermolysis bullosa simplex with nail dystrophy; Epidermolysis bullosa simplex 5C, with pyloric atresia; Epidermolysis bullosa simplex 5B, with muscular dystrophy. Last evaluated: 2025-12-13. Review status: criteria provided, single submitter. Criteria: Invitae Variant Classification Sherloc (09022015). Collection method: clinical testing. Allele origin: germline.
Comment: This sequence change replaces alanine, which is neutral and non-polar, with threonine, which is neutral and polar, at codon 3907 of the PLEC protein (p.Ala3907Thr). This variant is present in population databases (rs541209817, gnomAD 0.06%). This variant has not been reported in the literature in individuals affected with PLEC-related conditions. ClinVar contains an entry for this variant (Variation ID: 383010). An algorithm developed to predict the effect of missense changes on protein structure and function outputs the following: PolyPhen-2: "Benign". The threonine amino acid residue is found in multiple mammalian species, which suggests that this missense change does not adversely affect protein function. In summary, the available evidence is currently insufficient to determine the role of this variant in disease. Therefore, it has been classified as a Variant of Uncertain Significance.

Revvity Omics, Revvity
Classification: Uncertain significance. Last evaluated: 2023-11-07. Review status: criteria provided, single submitter. Criteria: ACMG Guidelines, 2015. Collection method: clinical testing. Allele origin: germline.

Mayo Clinic Laboratories, Mayo Clinic
Classification: Uncertain significance. Last evaluated: 2020-04-14. Review status: criteria provided, single submitter. Criteria: ACMG Guidelines, 2015. Collection method: clinical testing. Allele origin: germline. Observed: 1 variant allele.

GeneDx
Classification: Likely benign. Last evaluated: 2016-01-20. Review status: criteria provided, single submitter. Criteria: GeneDx Variant Classification (06012015). Collection method: clinical testing. Allele origin: germline. Affected: yes.
Comment: This variant is considered likely benign or benign based on one or more of the following criteria: it is a conservative change, it occurs at a poorly conserved position in the protein, it is predicted to be benign by multiple in silico algorithms, and/or has population frequency not consistent with disease.